The following is an entry in ClinVar:

ClinVar aggregate classification (germline): Pathogenic (1 of 4 stars; one submission).

Submission:

Labcorp Genetics (formerly Invitae), Labcorp
Classification: Pathogenic. Last evaluated: 2025-08-27. Review status: criteria provided, single submitter. Criteria: Invitae Variant Classification Sherloc (09022015). Collection method: clinical testing. Allele origin: germline.
Comment: This sequence change creates a premature translational stop signal (p.Ser2296*) in the FAT4 gene. It is expected to result in an absent or disrupted protein product. Loss-of-function variants in FAT4 are known to be pathogenic (PMID: 24056717, 24913602). This variant is not present in population databases (gnomAD no frequency). This variant has not been reported in the literature in individuals affected with FAT4-related conditions. For these reasons, this variant has been classified as Pathogenic.

Literature cited by the submitters: PubMed 24056717; PubMed 24913602.

NM_001291303.3(FAT4):c.6887C>A (p.Ser2296Ter)

Gene: FAT4 (FAT atypical cadherin 4; plus strand). Cytogenetic location: 4q28.1.
Variant type: single nucleotide variant.
Coding change: c.6887C>A on transcript NM_001291303.3 (MANE Select); coding-DNA position 6887, C replaced by A.
Protein change: p.Ser2296Ter; replaces serine 2296 with a stop codon.
Molecular consequence: nonsense.
Genome position (GRCh38, 1-based): chr4:125,416,491, C>A. VCF-style: chr4-125416491-C-A. GRCh37 (hg19) VCF-style: chr4-126337646-C-A.
Other names: c.6887C>A, p.Ser2296Ter (NM_001291285.3, NM_001438396.1, NM_001438397.1 and 1 more transcripts); c.1658C>A, p.Ser553Ter (NM_001437895.1); short protein forms S553*, S2296*.
Identifiers: ClinVar variation 4723757 (VCV004723757.1).